The following is an entry in ClinVar:

ClinVar aggregate classification (germline): Likely benign (1 of 4 stars; one submission).

Allele frequency attached by ClinVar (database versions not stated): ExAC 0.01196.

Submission:

CeGaT Center for Human Genetics Tuebingen
Classification: Likely benign. Last evaluated: 2022-11-01. Review status: criteria provided, single submitter. Criteria: CeGaT Center For Human Genetics Tuebingen Variant Classification Criteria Version 2. Collection method: clinical testing. Allele origin: germline. Affected: yes. Observed: 2 variant alleles.
Comment: EMC10: BP4, BP7

NM_206538.4(EMC10):c.753T>G (p.Gly251=)

Gene: EMC10 (ER membrane protein complex subunit 10; plus strand). Cytogenetic location: 19q13.33.
Variant type: single nucleotide variant.
Coding change: c.753T>G on transcript NM_206538.4 (MANE Select); coding-DNA position 753, T replaced by G.
Protein change: p.Gly251=; no amino-acid change (glycine 251 retained).
Molecular consequence: synonymous variant. On other transcripts: 3 prime UTR variant (1).
Genome position (GRCh38, 1-based): chr19:50,482,223, T>G. VCF-style: chr19-50482223-T-G. GRCh37 (hg19) VCF-style: chr19-50985480-T-G.
Other names: c.*75T>G (NM_175063.6).
Identifiers: ClinVar variation 2650349 (VCV002650349.24), dbSNP rs770912082, ClinGen allele CA9599277.
Genomic context (GRCh38, chr19:50,482,223, plus strand): 5'-TCCCGTCGTCCTGTTCCTCATGATGTCAGGAGCGCCAGACACCGGGGGCCAGGGTGGGGG[T>G]GGGGGTGGGGGTGGTGGTGGGGGTAGTGGCCGGTGAGGGCCCAGGCTGGTCAGCGTCCCG-3'
Protein context (NP_996261.1, residues 241-261): GAPDTGGQGG[Gly251=]GGGGGGGGSG